The following is an entry in ClinVar:

NM_014994.3(MAPKBP1):c.3657C>T (p.Ile1219=)

Gene: MAPKBP1 (mitogen-activated protein kinase binding protein 1; plus strand). Cytogenetic location: 15q15.1.
Variant type: single nucleotide variant.
Coding change: c.3657C>T on transcript NM_014994.3 (MANE Select); coding-DNA position 3657, C replaced by T.
Protein change: p.Ile1219=; no amino-acid change (isoleucine 1219 retained).
Molecular consequence: synonymous variant. On other transcripts: non-coding transcript variant (2), intron variant (1).
Genome position (GRCh38, 1-based): chr15:41,823,505, C>T. VCF-style: chr15-41823505-C-T. GRCh37 (hg19) VCF-style: chr15-42115703-C-T.
Other names: c.3675C>T (NM_001128608.1); c.3675C>T, p.Ile1225= (NM_001128608.2); c.3382+499C>T (NM_001265611.2).
Identifiers: ClinVar variation 2965356 (VCV002965356.5), dbSNP rs761812970, ClinGen allele CA7498639.

ClinVar aggregate classification (germline): Likely benign. Review status: criteria provided, single submitter (1 of 4 stars). 2 submissions from 2 submitters: Likely benign (1). 1 of the submissions does not count toward it. Last evaluated 2023-11-02.

Conditions:
MAPKBP1-related disorder. Also called: MAPKBP1-related condition.

Allele frequency attached by ClinVar (database versions not stated): ExAC 0.00001.

Submissions (2):

Labcorp Genetics (formerly Invitae), Labcorp
Classification: Likely benign. Last evaluated: 2023-11-02. Review status: criteria provided, single submitter. Criteria: Invitae Variant Classification Sherloc (09022015). Collection method: clinical testing. Allele origin: germline.

PreventionGenetics, part of Exact Sciences
Classification: Likely benign for MAPKBP1-related condition. Last evaluated: 2019-04-09. Review status: no assertion criteria provided. Collection method: clinical testing. Allele origin: germline. Not counted in ClinVar's aggregate classification.
Comment: This variant is classified as likely benign based on ACMG/AMP sequence variant interpretation guidelines (Richards et al. 2015 PMID: 25741868, with internal and published modifications).